The following is an entry in ClinVar:

NM_002180.3(IGHMBP2):c.2592G>T (p.Lys864Asn)

Gene: IGHMBP2 (immunoglobulin mu DNA binding protein 2; plus strand). Cytogenetic location: 11q13.3.
Variant type: single nucleotide variant.
Coding change: c.2592G>T on transcript NM_002180.3 (MANE Select); coding-DNA position 2592, G replaced by T.
Protein change: p.Lys864Asn; replaces lysine 864 with asparagine.
Molecular consequence: missense variant.
Genome position (GRCh38, 1-based): chr11:68,937,072, G>T. VCF-style: chr11-68937072-G-T. GRCh37 (hg19) VCF-style: chr11-68704540-G-T.
Other names: short protein forms K864N.
Identifiers: ClinVar variation 1482453 (VCV001482453.3), dbSNP rs766051417, ClinGen allele CA6153943.

ClinVar aggregate classification (germline): Uncertain significance (1 of 4 stars; one submission).

Conditions:
Autosomal recessive distal spinal muscular atrophy 1. Also called: SEVERE INFANTILE AXONAL NEUROPATHY WITH RESPIRATORY FAILURE; SPINAL MUSCULAR ATROPHY, DIAPHRAGMATIC; HMN VI; NEURONOPATHY, SEVERE INFANTILE AXONAL, WITH RESPIRATORY FAILURE; Spinal muscular atrophy with respiratory distress 1; NEURONOPATHY, DISTAL HEREDITARY MOTOR, HARDING TYPE VI. Identifiers: Orphanet 98920, MedGen C1858517, MONDO:0011436, OMIM 604320.
Charcot-Marie-Tooth disease axonal type 2S. Also called: CHARCOT-MARIE-TOOTH DISEASE, AXONAL, AUTOSOMAL RECESSIVE, TYPE 2S; CHARCOT-MARIE-TOOTH NEUROPATHY, TYPE 2S. Identifiers: Orphanet 443073, MedGen C4015349, MONDO:0014511, OMIM 616155.

Allele frequency attached by ClinVar (database versions not stated): gnomAD exomes below 0.00001 and 0.00001; ExAC 0.00001.
gnomAD v4.1: 9 of 1,599,246 alleles (0.00056%); highest among the groups gnomAD compares: East Asian, 0.02%; no homozygotes.

Submission:

Labcorp Genetics (formerly Invitae), Labcorp
Classification: Uncertain significance for Autosomal recessive distal spinal muscular atrophy 1; Charcot-Marie-Tooth disease axonal type 2S. Last evaluated: 2021-08-14. Review status: criteria provided, single submitter. Criteria: Invitae Variant Classification Sherloc (09022015). Collection method: clinical testing. Allele origin: germline.
Comment: This sequence change replaces lysine with asparagine at codon 864 of the IGHMBP2 protein (p.Lys864Asn). The lysine residue is weakly conserved and there is a moderate physicochemical difference between lysine and asparagine. This variant is present in population databases (rs766051417, ExAC 0.01%). This variant has not been reported in the literature in individuals affected with IGHMBP2-related conditions. Advanced modeling of protein sequence and biophysical properties (such as structural, functional, and spatial information, amino acid conservation, physicochemical variation, residue mobility, and thermodynamic stability) performed at Invitae indicates that this missense variant is not expected to disrupt IGHMBP2 protein function. In summary, the available evidence is currently insufficient to determine the role of this variant in disease. Therefore, it has been classified as a Variant of Uncertain Significance.